The following is an entry in ClinVar:

ClinVar aggregate classification (germline): Conflicting classifications of pathogenicity. Review status: criteria provided, conflicting classifications (1 of 4 stars). 2 submissions from 2 submitters: Uncertain significance (1); Likely benign (1). Last evaluated 2024-12-09.

Conditions:
Kufor-Rakeb syndrome (KRS). Also called: PARKINSON DISEASE 9, AUTOSOMAL RECESSIVE, JUVENILE-ONSET. Identifiers: Orphanet 306674, Orphanet 314632, MedGen C1847640, MONDO:0011706, OMIM 606693.
Autosomal recessive spastic paraplegia type 78. Identifiers: Orphanet 513436, MedGen C5567893, MONDO:0014975, OMIM 617225.
Inborn genetic diseases. Identifiers: MedGen C0950123, MeSH D030342.

gnomAD v4.1: 14 of 1,612,594 alleles (0.00087%); highest among the groups gnomAD compares: Admixed American, 0.0017%; no homozygotes.

Submissions (2):

Ambry Genetics
Classification: Likely benign for Inborn genetic diseases. Last evaluated: 2024-12-09. Review status: criteria provided, single submitter. Criteria: Ambry Variant Classification Scheme 2023. Collection method: clinical testing. Allele origin: germline.

Labcorp Genetics (formerly Invitae), Labcorp
Classification: Uncertain significance for Kufor-Rakeb syndrome; Autosomal recessive spastic paraplegia type 78. Last evaluated: 2022-01-26. Review status: criteria provided, single submitter. Criteria: Invitae Variant Classification Sherloc (09022015). Collection method: clinical testing. Allele origin: germline.
Comment: This sequence change replaces glycine, which is neutral and non-polar, with serine, which is neutral and polar, at codon 1115 of the ATP13A2 protein (p.Gly1115Ser). This variant is not present in population databases (gnomAD no frequency). This variant has not been reported in the literature in individuals affected with ATP13A2-related conditions. Advanced modeling of protein sequence and biophysical properties (such as structural, functional, and spatial information, amino acid conservation, physicochemical variation, residue mobility, and thermodynamic stability) performed at Invitae indicates that this missense variant is not expected to disrupt ATP13A2 protein function. In summary, the available evidence is currently insufficient to determine the role of this variant in disease. Therefore, it has been classified as a Variant of Uncertain Significance.

NM_022089.4(ATP13A2):c.3343G>A (p.Gly1115Ser)

Gene: ATP13A2 (ATPase cation transporting 13A2; minus strand). Cytogenetic location: 1p36.13.
Variant type: single nucleotide variant.
Coding change: c.3343G>A on transcript NM_022089.4 (MANE Select); coding-DNA position 3343, G replaced by A.
Protein change: p.Gly1115Ser; replaces glycine 1115 with serine.
Molecular consequence: missense variant. On other transcripts: intron variant (1).
Genome position (GRCh38, 1-based): chr1:16,986,525, C>T on the plus strand (G>A on the coding strand, the complement: ATP13A2 is on the minus strand). VCF-style: chr1-16986525-C-T. GRCh37 (hg19) VCF-style: chr1-17313020-C-T.
Other names: c.3328G>A, p.Gly1110Ser (NM_001141973.3); c.3104-167G>A (NM_001141974.3); c.3343G>A (NM_022089.2); short protein forms G1110S, G1115S.
Identifiers: ClinVar variation 1422404 (VCV001422404.4), dbSNP rs145674970, ClinGen allele CA18625133.